The following is an entry in ClinVar:

NM_001206927.2(DNAH8):c.13553A>G (p.Tyr4518Cys)

Gene: DNAH8 (dynein axonemal heavy chain 8; plus strand). Cytogenetic location: 6p21.2.
Variant type: single nucleotide variant.
Coding change: c.13553A>G on transcript NM_001206927.2 (MANE Select); coding-DNA position 13553, A replaced by G.
Protein change: p.Tyr4518Cys; replaces tyrosine 4518 with cysteine.
Molecular consequence: missense variant.
Genome position (GRCh38, 1-based): chr6:39,012,476, A>G. VCF-style: chr6-39012476-A-G. GRCh37 (hg19) VCF-style: chr6-38980252-A-G.
Other names: c.12902A>G, p.Tyr4301Cys (NM_001371.4); short protein forms Y4518C, Y4301C.
Identifiers: ClinVar variation 2189972 (VCV002189972.1), dbSNP rs373389654, ClinGen allele CA3791705.
Genomic context (GRCh38, chr6:39,012,476, plus strand): 5'-TTATTCATGTGTTTTAACTTTTTCTTCTCCAGAATCTGAGAGATGCTCTGGACAACATGT[A>G]TGATGCTCGTATACCTCAGCTCTGGAAAAGAGTGTCTTGGGATTCGTCCACACTGGGCTT-3'
Protein context (NP_001193856.1, residues 4508-4528): ENLRDALDNM[Tyr4518Cys]DARIPQLWKR

ClinVar aggregate classification (germline): Uncertain significance (1 of 4 stars; one submission).

Conditions:
Primary ciliary dyskinesia. Also called: Ciliary dyskinesia. Identifiers: Orphanet 244, MedGen C0008780, MONDO:0016575, HP:0012265.

Allele frequency attached by ClinVar (database versions not stated): ExAC 0.00002; gnomAD 0.00005; TOPMed 0.00005; ESP Exome Variant Server 0.00023.
gnomAD v4.1: 37 of 1,613,982 alleles (0.0023%); highest among the groups gnomAD compares: African/African-American, 0.0053%; no homozygotes.

Submission:

Labcorp Genetics (formerly Invitae), Labcorp
Classification: Uncertain significance for Primary ciliary dyskinesia. Last evaluated: 2022-07-15. Review status: criteria provided, single submitter. Criteria: Invitae Variant Classification Sherloc (09022015). Collection method: clinical testing. Allele origin: germline.
Comment: This sequence change replaces tyrosine, which is neutral and polar, with cysteine, which is neutral and slightly polar, at codon 4518 of the DNAH8 protein (p.Tyr4518Cys). This variant is present in population databases (rs373389654, gnomAD 0.003%). This variant has not been reported in the literature in individuals affected with DNAH8-related conditions. Algorithms developed to predict the effect of missense changes on protein structure and function are either unavailable or do not agree on the potential impact of this missense change (SIFT: "Deleterious"; PolyPhen-2: "Not Available"; Align-GVGD: "Class C0"). In summary, the available evidence is currently insufficient to determine the role of this variant in disease. Therefore, it has been classified as a Variant of Uncertain Significance.